The following is an entry in ClinVar:

ClinVar aggregate classification (germline): Benign/Likely benign. Review status: criteria provided, multiple submitters, no conflicts (2 of 4 stars). 3 submissions from 3 submitters: Benign (1); Likely benign (1). 1 of the submissions does not count toward it. Last evaluated 2024-11-13.

Conditions:
APC2-related disorder. Also called: APC2-related condition; APC2-Related Disorders.

Allele frequency attached by ClinVar (database versions not stated): TOPMed 0.00003; gnomAD 0.00024; 1000 Genomes Project 0.00120; 1000 Genomes Project 30x 0.00141; ExAC 0.00432.
gnomAD v4.1: 643 of 1,527,014 alleles (0.042%); highest among the groups gnomAD compares: South Asian, 0.71%; 7 homozygotes.

Submissions (3):

Blueprint Genetics
Classification: Likely benign. Last evaluated: 2024-11-13. Review status: criteria provided, single submitter. Criteria: ACMG Guidelines, 2015. Collection method: clinical testing. Allele origin: germline.

Labcorp Genetics (formerly Invitae), Labcorp
Classification: Benign. Last evaluated: 2024-10-29. Review status: criteria provided, single submitter. Criteria: Invitae Variant Classification Sherloc (09022015). Collection method: clinical testing. Allele origin: germline.

PreventionGenetics, part of Exact Sciences
Classification: Likely benign for APC2-related condition. Last evaluated: 2024-01-22. Review status: no assertion criteria provided. Collection method: clinical testing. Allele origin: germline. Not counted in ClinVar's aggregate classification.
Comment: This variant is classified as likely benign based on ACMG/AMP sequence variant interpretation guidelines (Richards et al. 2015 PMID: 25741868, with internal and published modifications).

NM_005883.3(APC2):c.2184C>T (p.Ala728=)

Gene: APC2 (APC regulator of Wnt signaling pathway 2; plus strand). Cytogenetic location: 19p13.3.
Variant type: single nucleotide variant.
Coding change: c.2184C>T on transcript NM_005883.3 (MANE Select); coding-DNA position 2184, C replaced by T.
Protein change: p.Ala728=; no amino-acid change (alanine 728 retained).
Molecular consequence: synonymous variant.
Genome position (GRCh38, 1-based): chr19:1,465,485, C>T. VCF-style: chr19-1465485-C-T. GRCh37 (hg19) VCF-style: chr19-1465484-C-T.
Other names: c.2181C>T, p.Ala727= (NM_001351273.1); c.2184C>T (NM_005883.2).
Identifiers: ClinVar variation 2156725 (VCV002156725.7), dbSNP rs370502669, ClinGen allele CA9045395.